The following is an entry in ClinVar:

ClinVar aggregate classification (germline): Conflicting classifications of pathogenicity. Review status: criteria provided, conflicting classifications (1 of 4 stars). 7 submissions from 7 submitters: Uncertain significance (1); Benign (1); Likely benign (4). 1 of the submissions does not count toward it. Last evaluated 2026-09-01.

Conditions:
GABRA1-related disorder. Also called: GABRA1-related condition.
Epilepsy, idiopathic generalized, susceptibility to, 13. Also called: EPILEPSY, JUVENILE MYOCLONIC, SUSCEPTIBILITY TO, 5. Identifiers: Orphanet 307, Orphanet 64280, MedGen C4013473, MONDO:0012627, OMIM 611136.
Epilepsy, childhood absence 4 (ECA4). Also called: EPILEPSY, CHILDHOOD ABSENCE, SUSCEPTIBILITY TO, 4. Identifiers: Orphanet 307, MedGen C1970160.
Idiopathic generalized epilepsy. Also called: EIG; Generalised epilepsy. Identifiers: MedGen C0270850, MONDO:0005579, OMIM 600669.
Inborn genetic diseases. Identifiers: MedGen C0950123, MeSH D030342.

Allele frequency attached by ClinVar (database versions not stated): 1000 Genomes Project 30x 0.00016; 1000 Genomes Project 0.00020; gnomAD 0.00028 and 0.00029; TOPMed 0.00028; ESP Exome Variant Server 0.00031; ExAC 0.00034; gnomAD exomes 0.00035 and 0.00041.
gnomAD v4.1: 638 of 1,613,754 alleles (0.04%); highest among the groups gnomAD compares: Middle Eastern, 0.066%; 1 homozygote.

Submissions (7):

CeGaT Center for Human Genetics Tuebingen
Classification: Likely benign. Last evaluated: 2026-09-01. Review status: criteria provided, single submitter. Criteria: CeGaT Center For Human Genetics Tuebingen Variant Classification Criteria Version 2. Collection method: clinical testing. Allele origin: germline. Affected: yes. Observed: 6 variant alleles.
Comment: GABRA1: BP4, BP7

Labcorp Genetics (formerly Invitae), Labcorp
Classification: Likely benign for Epilepsy, childhood absence 4; Epilepsy, idiopathic generalized, susceptibility to, 13; Idiopathic generalized epilepsy. Last evaluated: 2026-01-30. Review status: criteria provided, single submitter. Criteria: Invitae Variant Classification Sherloc (09022015). Collection method: clinical testing. Allele origin: germline.

Blueprint Genetics
Classification: Likely benign. Last evaluated: 2024-10-17. Review status: criteria provided, single submitter. Criteria: ACMG Guidelines, 2015. Collection method: clinical testing. Allele origin: germline.

Ambry Genetics
Classification: Likely benign for Inborn genetic diseases. Last evaluated: 2016-09-15. Review status: criteria provided, single submitter. Criteria: Ambry Variant Classification Scheme 2023. Collection method: clinical testing. Allele origin: germline.

Eurofins Ntd Llc (ga)
Classification: Uncertain significance. Last evaluated: 2015-11-12. Review status: criteria provided, single submitter. Criteria: EGL Classification Definitions 2015. Collection method: clinical testing. Allele origin: germline. Observed: 1 variant allele, 1 heterozygote.

GeneDx
Classification: Benign. Last evaluated: 2013-10-21. Review status: criteria provided, single submitter. Criteria: GeneDx Variant Classification (06012015). Collection method: clinical testing. Allele origin: germline. Affected: yes.
Comment: This variant is considered likely benign or benign based on one or more of the following criteria: it is a conservative change, it occurs at a poorly conserved position in the protein, it is predicted to be benign by multiple in silico algorithms, and/or has population frequency not consistent with disease.

PreventionGenetics, part of Exact Sciences
Classification: Likely benign for GABRA1-related condition. Last evaluated: 2024-05-14. Review status: no assertion criteria provided. Collection method: clinical testing. Allele origin: germline. Not counted in ClinVar's aggregate classification.
Comment: This variant is classified as likely benign based on ACMG/AMP sequence variant interpretation guidelines (Richards et al. 2015 PMID: 25741868, with internal and published modifications).

NM_001127644.2(GABRA1):c.441G>T (p.Arg147=)

Gene: GABRA1 (gamma-aminobutyric acid type A receptor subunit alpha1; plus strand). Cytogenetic location: 5q34.
Variant type: single nucleotide variant.
Coding change: c.441G>T on transcript NM_001127644.2 (MANE Select); coding-DNA position 441, G replaced by T.
Protein change: p.Arg147=; no amino-acid change (arginine 147 retained).
Molecular consequence: synonymous variant.
Genome position (GRCh38, 1-based): chr5:161,873,302, G>T. VCF-style: chr5-161873302-G-T. GRCh37 (hg19) VCF-style: chr5-161300308-G-T.
Other names: p.R147R:CGG>CGT; c.441G>T, p.Arg147= (NM_000806.5, NM_001127643.2, NM_001127645.2 and 1 more transcripts).
Identifiers: ClinVar variation 137409 (VCV000137409.93), dbSNP rs190024862, ClinGen allele CA290972.